The following is an entry in ClinVar:

ClinVar aggregate classification (germline): Uncertain significance (1 of 4 stars; one submission).

Conditions:
Glycogen storage disease, type IV (GSD4). Also called: AMYLOPECTINOSIS; ANDERSEN DISEASE; BRANCHER DEFICIENCY; Glycogen storage disease due to glycogen branching enzyme deficiency; CIRRHOSIS, FAMILIAL, WITH DEPOSITION OF ABNORMAL GLYCOGEN; GBE1 DEFICIENCY. Identifiers: Orphanet 367, MedGen C0017923, MONDO:0009292, OMIM 232500.
Glycogen storage disease IV, classic hepatic. Also called: GSD IV, CLASSIC HEPATIC. Identifiers: MedGen C1856301.

Submission:

Labcorp Genetics (formerly Invitae), Labcorp
Classification: Uncertain significance for Glycogen storage disease, type IV; Glycogen storage disease IV, classic hepatic. Last evaluated: 2018-11-14. Review status: criteria provided, single submitter. Criteria: Invitae Variant Classification Sherloc (09022015). Collection method: clinical testing. Allele origin: germline.
Comment: This sequence change replaces methioinine with threonine at codon 302 of the GBE1 protein (p.Met302Thr). The methionine residue is weakly conserved and there is a moderate physicochemical difference between methionine and threonine. This variant is not present in population databases (ExAC no frequency). This variant has not been reported in the literature in individuals with GBE1-related disease. Algorithms developed to predict the effect of missense changes on protein structure and function (SIFT, PolyPhen-2, Align-GVGD) all suggest that this variant is likely to be tolerated, but these predictions have not been confirmed by published functional studies and their clinical significance is uncertain. In summary, the available evidence is currently insufficient to determine the role of this variant in disease. Therefore, it has been classified as a Variant of Uncertain Significance.

NM_000158.4(GBE1):c.905T>C (p.Met302Thr)

Gene: GBE1 (1,4-alpha-glucan branching enzyme 1; minus strand). Cytogenetic location: 3p12.2.
Variant type: single nucleotide variant.
Coding change: c.905T>C on transcript NM_000158.4 (MANE Select); coding-DNA position 905, T replaced by C.
Protein change: p.Met302Thr; replaces methionine 302 with threonine.
Molecular consequence: missense variant.
Genome position (GRCh38, 1-based): chr3:81,642,868, A>G on the plus strand (T>C on the coding strand, the complement: GBE1 is on the minus strand). VCF-style: chr3-81642868-A-G. GRCh37 (hg19) VCF-style: chr3-81692019-A-G.
Other names: short protein forms M302T.
Identifiers: ClinVar variation 660636 (VCV000660636.1), dbSNP rs1189654498, ClinGen allele CA353687325.
Genomic context (GRCh38, chr3:81,642,868, plus strand): 5'-CAAAGATCATGAGTCCCTCTAGGTCCAGAATGAAAATAACAGGAATCTGTCCCATCAAAC[A>G]TATTCAATCCATCTGCTGAATTTTTTGAAGCATGGCTGTGTACCACATCTAAGAGGACTA-3'
Protein context (NP_000149.4, residues 292-312): ASKNSADGLN[Met302Thr]FDGTDSCYFH